The following is an entry in ClinVar:

ClinVar aggregate classification (germline): Uncertain significance (1 of 4 stars; one submission).

Conditions:
Cardiovascular phenotype. Identifiers: MedGen CN230736.

Allele frequency attached by ClinVar (database versions not stated): TOPMed below 0.00001.

Submission:

Ambry Genetics
Classification: Uncertain significance for Cardiovascular phenotype. Last evaluated: 2024-09-23. Review status: criteria provided, single submitter. Criteria: Ambry Variant Classification Scheme 2023. Collection method: clinical testing. Allele origin: germline.
Comment: The p.R92S variant (also known as c.274C>A), located in coding exon 1 of the ALPK3 gene, results from a C to A substitution at nucleotide position 274. The arginine at codon 92 is replaced by serine, an amino acid with dissimilar properties. This amino acid position is conserved. In addition, this alteration is predicted to be tolerated by in silico analysis. Since supporting evidence is limited at this time, the clinical significance of this alteration remains unclear.

NM_020778.4(ALPK3):c.274C>A (p.Arg92Ser)

Gene: ALPK3 (alpha kinase 3; plus strand). Cytogenetic location: 15q25.3.
Variant type: single nucleotide variant.
Coding change: c.274C>A on transcript NM_020778.4; coding-DNA position 274, C replaced by A.
Protein change: p.Arg92Ser; replaces arginine 92 with serine.
Genome position (GRCh38, 1-based): chr15:84,817,120, C>A. VCF-style: chr15-84817120-C-A. GRCh37 (hg19) VCF-style: chr15-85360351-C-A.
Other names: short protein forms R92S.
Identifiers: ClinVar variation 1795524 (VCV001795524.3), dbSNP rs1226685143, ClinGen allele CA393368573.
Genomic context (GRCh38, chr15:84,817,120, plus strand): 5'-GGCCGGGAGCCGGGTCCCGGGAGCTCCACGAAGGGGCCTGTCCTCCATGACCAGGACACC[C>A]GCTGCGCCTTCCTCCCGAGGCCTCCCGGGCCTCTCCAGACGCGGCGCTACTGCAGACACC-3'